The following is an entry in ClinVar:

NM_005460.4(SNCAIP):c.*314T>C

Genes: SNCAIP (synuclein alpha interacting protein; plus strand), SNCAIP-AS3 (SNCAIP antisense RNA 3; minus strand). Cytogenetic location: 5q23.2.
Variant type: single nucleotide variant.
Coding change: c.*314T>C on transcript NM_005460.4 (MANE Select); 314 bases downstream of the stop codon, T replaced by C.
Molecular consequence: 3 prime UTR variant. On other transcripts: non-coding transcript variant (2).
Genome position (GRCh38, 1-based): chr5:122,463,810, T>C. VCF-style: chr5-122463810-T-C. GRCh37 (hg19) VCF-style: chr5-121799505-T-C.
Other names: c.*235T>C (NM_001242935.3, NM_001308100.2); c.*314T>C (NM_001308105.1, NM_001308106.1, NM_001308107.2 and 2 more transcripts).
Identifiers: ClinVar variation 350510 (VCV000350510.5), dbSNP rs11326, ClinGen allele CA10622365.

ClinVar aggregate classification (germline): Benign (1 of 4 stars; one submission).

Conditions:
Parkinson Disease, Dominant/Recessive.

Allele frequency attached by ClinVar (database versions not stated): 1000 Genomes Project 30x 0.09291; 1000 Genomes Project 0.09565; TOPMed 0.10428; gnomAD 0.10782 and 0.10827; gnomAD exomes 0.12542.
gnomAD v4.1: 40,082 of 341,502 alleles (12%); highest among the groups gnomAD compares: Non-Finnish European, 14%; 2,652 homozygotes.

Submission:

Illumina Laboratory Services, Illumina
Classification: Benign for Parkinson Disease, Dominant/Recessive. Last evaluated: 2018-01-13. Review status: criteria provided, single submitter. Criteria: ICSL Variant Classification Criteria 13 December 2019. Collection method: clinical testing. Allele origin: germline.
Comment: This variant was observed in the ICSL laboratory as part of a predisposition screen in an ostensibly healthy population. It had not been previously curated by ICSL or reported in the Human Gene Mutation Database (HGMD: prior to June 1st, 2018), and was therefore a candidate for classification through an automated scoring system. Utilizing variant allele frequency, disease prevalence and penetrance estimates, and inheritance mode, an automated score was calculated to assess if this variant is too frequent to cause the disease. Based on the score and internal cut-off values, a variant classified as benign is not then subjected to further curation. The score for this variant resulted in a classification of benign for this disease.